The following is an entry in ClinVar:

ClinVar aggregate classification (germline): Likely benign (1 of 4 stars; one submission).

gnomAD v4.1: 105 of 1,608,100 alleles (0.0065%); highest among the groups gnomAD compares: African/African-American, 0.11%; 1 homozygote.

Submission:

CeGaT Center for Human Genetics Tuebingen
Classification: Likely benign. Last evaluated: 2026-03-01. Review status: criteria provided, single submitter. Criteria: CeGaT Center For Human Genetics Tuebingen Variant Classification Criteria Version 2. Collection method: clinical testing. Allele origin: germline. Affected: yes. Observed: 1 variant allele.
Comment: INTS1: BP4, BP7

NM_001080453.3(INTS1):c.5685C>T (p.Asn1895=)

Genes: INTS1 (integrator complex subunit 1; minus strand), LOC129997773 (ATAC-STARR-seq lymphoblastoid silent region 17853; plus strand). Cytogenetic location: 7p22.3.
Variant type: single nucleotide variant.
Coding change: c.5685C>T on transcript NM_001080453.3 (MANE Select); coding-DNA position 5685, C replaced by T.
Protein change: p.Asn1895=; no amino-acid change (asparagine 1895 retained).
Molecular consequence: synonymous variant.
Genome position (GRCh38, 1-based): chr7:1,474,312, G>A on the plus strand (C>T on the coding strand, the complement: INTS1 is on the minus strand). VCF-style: chr7-1474312-G-A. GRCh37 (hg19) VCF-style: chr7-1513948-G-A.
Identifiers: ClinVar variation 4821285 (VCV004821285.4).
Genomic context (GRCh38, chr7:1,474,312, plus strand): 5'-CAGCAGGCCCAGCACGTGCAGGAAGCAGCTCAGGTGGTTCTGCTGCCGGAACTCCTGGAA[G>A]TTGAGGTGGGTGCGGCCGTGCAGGAGCGCCGCGATCATGGGCAGGTGCCTGCGGGCGCGG-3'
Protein context (NP_001073922.2, residues 1885-1905): AALLHGRTHL[Asn1895=]FQEFRQQNHL